The following is an entry in ClinVar:

NM_001365536.1(SCN9A):c.901+5G>C

Gene: SCN9A (sodium voltage-gated channel alpha subunit 9; minus strand). Cytogenetic location: 2q24.3.
Variant type: single nucleotide variant.
Coding change: c.901+5G>C on transcript NM_001365536.1 (MANE Select); 5 bases into the intron after coding-DNA position 901, G replaced by C.
Molecular consequence: intron variant.
Genome position (GRCh38, 1-based): chr2:166,303,085, C>G on the plus strand (G>C on the coding strand, the complement: SCN9A is on the minus strand). VCF-style: chr2-166303085-C-G. GRCh37 (hg19) VCF-style: chr2-167159595-C-G.
Other names: c.901+5G>C (NM_002977.4).
Identifiers: ClinVar variation 573325 (VCV000573325.12), dbSNP rs756005334, ClinGen allele CA1944641.

ClinVar aggregate classification (germline): Conflicting classifications of pathogenicity. Review status: criteria provided, conflicting classifications (1 of 4 stars). 4 submissions from 4 submitters: Likely pathogenic (1); Uncertain significance (3). Last evaluated 2024-03-08.

Conditions:
SCN9A-related disorder. Also called: SCN9A-related disorders; SCN9A-related condition.
Inborn genetic diseases. Identifiers: MedGen C0950123, MeSH D030342.
Generalized epilepsy with febrile seizures plus, type 7 (GEFSP7). Also called: GEFS+, TYPE 7. Identifiers: Orphanet 36387, MedGen C2751778, MONDO:0013470, OMIM 613863.
Neuropathy, hereditary sensory and autonomic, type 2A (HSAN2A). Also called: WNK1-Related HSAN2 (HSAN2A); HSAN IIA; MORVAN DISEASE; NEUROPATHY, CONGENITAL SENSORY; NEUROPATHY, HEREDITARY SENSORY RADICULAR, AUTOSOMAL RECESSIVE; NEUROPATHY, HEREDITARY SENSORY, TYPE IIA. Identifiers: Orphanet 970, MedGen C2752089, MONDO:0024309, OMIM 201300.

Allele frequency attached by ClinVar (database versions not stated): gnomAD 0.00001; TOPMed 0.00002; gnomAD exomes 0.00003; ExAC 0.00014.
gnomAD v4.1: 38 of 1,570,162 alleles (0.0024%); highest among the groups gnomAD compares: Non-Finnish European, 0.0031%; no homozygotes.

Submissions (4):

Blueprint Genetics
Classification: Likely pathogenic for SCN9A-related disorders. Last evaluated: 2024-03-08. Review status: criteria provided, single submitter. Criteria: ACMG Guidelines, 2015. Collection method: clinical testing. Allele origin: germline. Affected: yes. Observed: 5 variant alleles.

Labcorp Genetics (formerly Invitae), Labcorp
Classification: Uncertain significance for Neuropathy, hereditary sensory and autonomic, type 2A; Generalized epilepsy with febrile seizures plus, type 7. Last evaluated: 2023-03-04. Review status: criteria provided, single submitter. Criteria: Invitae Variant Classification Sherloc (09022015). Collection method: clinical testing. Allele origin: germline.
Comment: ClinVar contains an entry for this variant (Variation ID: 573325). In summary, the available evidence is currently insufficient to determine the role of this variant in disease. Therefore, it has been classified as a Variant of Uncertain Significance. Variants that disrupt the consensus splice site are a relatively common cause of aberrant splicing (PMID: 17576681, 9536098). Algorithms developed to predict the effect of sequence changes on RNA splicing suggest that this variant may disrupt the consensus splice site. This variant has been observed in individual(s) with congenital insensitivity to pain (PMID: 25995458). This variant is present in population databases (rs756005334, gnomAD 0.007%). This sequence change falls in intron 7 of the SCN9A gene. It does not directly change the encoded amino acid sequence of the SCN9A protein. It affects a nucleotide within the consensus splice site.

Ambry Genetics
Classification: Uncertain significance for Inborn genetic diseases. Last evaluated: 2022-11-03. Review status: criteria provided, single submitter. Criteria: Ambry Variant Classification Scheme 2023. Collection method: clinical testing. Allele origin: germline.
Comment: Unlikely to be causative of SCN9A-related neuropathic pain syndromes (AD) Based on insufficient or conflicting evidence, the clinical significance of this alteration remains unclear.

GeneDx
Classification: Uncertain significance. Last evaluated: 2021-10-27. Review status: criteria provided, single submitter. Criteria: GeneDx Variant Classification Process June 2021. Collection method: clinical testing. Allele origin: germline. Affected: yes.
Comment: Observed with a variant on the opposite allele (in trans) in a patient with insensitivity to pain in the published literature (PMID: 25995458); In silico analysis, which includes splice predictors and evolutionary conservation, supports a deleterious effect; This variant is associated with the following publications: (PMID: 30672368, 25995458)

Literature cited by the submitters: PubMed 17576681 (cited by Labcorp Genetics (formerly Invitae), Labcorp); PubMed 9536098 (cited by Labcorp Genetics (formerly Invitae), Labcorp); PubMed 25995458 (cited by Labcorp Genetics (formerly Invitae), Labcorp and Ambry Genetics).